The following is an entry in ClinVar:

NM_152490.5(B3GALNT2):c.322G>A (p.Asp108Asn)

Gene: B3GALNT2 (beta-1,3-N-acetylgalactosaminyltransferase 2; minus strand). Cytogenetic location: 1q42.3.
Variant type: single nucleotide variant.
Coding change: c.322G>A on transcript NM_152490.5 (MANE Select); coding-DNA position 322, G replaced by A.
Protein change: p.Asp108Asn; replaces aspartic acid 108 with asparagine.
Molecular consequence: missense variant.
Genome position (GRCh38, 1-based): chr1:235,489,207, C>T on the plus strand (G>A on the coding strand, the complement: B3GALNT2 is on the minus strand). VCF-style: chr1-235489207-C-T. GRCh37 (hg19) VCF-style: chr1-235652512-C-T.
Other names: c.445G>A, p.Asp149Asn (NM_001277155.3); short protein forms D108N, D149N.
Identifiers: ClinVar variation 1007425 (VCV001007425.5), dbSNP rs920430546, ClinGen allele CA344928388.

ClinVar aggregate classification (germline): Uncertain significance (1 of 4 stars; one submission).

Conditions:
Muscular dystrophy-dystroglycanopathy (congenital with brain and eye anomalies), type a, 11 (MDDGA11). Also called: WALKER-WARBURG SYNDROME OR MUSCLE-EYE-BRAIN DISEASE, B3GALNT2-RELATED; Congenital muscular dystrophy-dystroglycanopathy with brain and eye anomalies, type A11; Muscular dystrophy-dystroglycanopathy (congenital with brain and eye anomalies, type A, 11. Identifiers: Orphanet 588, Orphanet 899, MedGen C3554638, MONDO:0014071, OMIM 615181.

Submission:

Labcorp Genetics (formerly Invitae), Labcorp
Classification: Uncertain significance for Muscular dystrophy-dystroglycanopathy (congenital with brain and eye anomalies), type a, 11. Last evaluated: 2023-10-13. Review status: criteria provided, single submitter. Criteria: Invitae Variant Classification Sherloc (09022015). Collection method: clinical testing. Allele origin: germline.
Comment: This sequence change replaces aspartic acid, which is acidic and polar, with asparagine, which is neutral and polar, at codon 108 of the B3GALNT2 protein (p.Asp108Asn). This variant is not present in population databases (gnomAD no frequency). This variant has not been reported in the literature in individuals affected with B3GALNT2-related conditions. Experimental studies and prediction algorithms are not available or were not evaluated, and the functional significance of this variant is currently unknown. In summary, the available evidence is currently insufficient to determine the role of this variant in disease. Therefore, it has been classified as a Variant of Uncertain Significance.